The following is an entry in ClinVar:

ClinVar aggregate classification (germline): Uncertain significance (1 of 4 stars; one submission).

Conditions:
Inborn genetic diseases. Identifiers: MedGen C0950123, MeSH D030342.

Submission:

Ambry Genetics
Classification: Uncertain significance for Inborn genetic diseases. Last evaluated: 2023-01-24. Review status: criteria provided, single submitter. Criteria: Ambry Variant Classification Scheme 2023. Collection method: clinical testing. Allele origin: germline.
Comment: The c.2621G>T (p.R874L) alteration is located in exon 21 (coding exon 21) of the SHANK1 gene. This alteration results from a G to T substitution at nucleotide position 2621, causing the arginine (R) at amino acid position 874 to be replaced by a leucine (L). This variant was not reported in population-based cohorts in the Genome Aggregation Database (gnomAD). This amino acid position is highly conserved in available vertebrate species. This alteration is predicted to be tolerated by in silico analysis. Based on insufficient or conflicting evidence, the clinical significance of this alteration remains unclear.

NM_016148.5(SHANK1):c.2621G>T (p.Arg874Leu)

Gene: SHANK1 (SH3 and multiple ankyrin repeat domains 1; minus strand). Cytogenetic location: 19q13.33.
Variant type: single nucleotide variant.
Coding change: c.2621G>T on transcript NM_016148.5 (MANE Select); coding-DNA position 2621, G replaced by T.
Protein change: p.Arg874Leu; replaces arginine 874 with leucine.
Molecular consequence: missense variant.
Genome position (GRCh38, 1-based): chr19:50,672,071, C>A on the plus strand (G>T on the coding strand, the complement: SHANK1 is on the minus strand). VCF-style: chr19-50672071-C-A. GRCh37 (hg19) VCF-style: chr19-51175328-C-A.
Other names: short protein forms R874L.
Identifiers: ClinVar variation 2462138 (VCV002462138.2), dbSNP rs143496044, ClinGen allele CA407020895.